The following is an entry in ClinVar:

ClinVar aggregate classification (germline): Uncertain significance (1 of 4 stars; one submission).

Submission:

Ambry Genetics
Classification: Uncertain significance. Last evaluated: 2026-08-09. Review status: criteria provided, single submitter. Criteria: Ambry Variant Classification Scheme 2023. Collection method: clinical testing. Allele origin: germline.
Comment: The p.S816C variant (also known as c.2446A>T), located in coding exon 1 of the MLH3 gene, results from an A to T substitution at nucleotide position 2446. The serine at codon 816 is replaced by cysteine, an amino acid with dissimilar properties. This amino acid position is conserved. In addition, this alteration is predicted to be tolerated by in silico analysis. Based on the available evidence, the clinical significance of this variant remains unclear.

NM_001040108.2(MLH3):c.2446A>T (p.Ser816Cys)

Gene: MLH3 (mutL homolog 3; minus strand). Cytogenetic location: 14q24.3.
Variant type: single nucleotide variant.
Coding change: c.2446A>T on transcript NM_001040108.2 (MANE Select); coding-DNA position 2446, A replaced by T.
Protein change: p.Ser816Cys; replaces serine 816 with cysteine.
Molecular consequence: missense variant.
Genome position (GRCh38, 1-based): chr14:75,047,210, T>A on the plus strand (A>T on the coding strand, the complement: MLH3 is on the minus strand). VCF-style: chr14-75047210-T-A. GRCh37 (hg19) VCF-style: chr14-75513913-T-A.
Other names: c.2446A>T, p.Ser816Cys (NM_014381.3); short protein forms S816C.
Identifiers: ClinVar variation 5024622 (VCV005024622.1).